The following is an entry in ClinVar:

NM_002691.4(POLD1):c.966C>A (p.Arg322=)

Gene: POLD1 (DNA polymerase delta 1, catalytic subunit; plus strand). Cytogenetic location: 19q13.33.
Variant type: single nucleotide variant.
Coding change: c.966C>A on transcript NM_002691.4 (MANE Select); coding-DNA position 966, C replaced by A.
Protein change: p.Arg322=; no amino-acid change (arginine 322 retained).
Molecular consequence: synonymous variant. On other transcripts: non-coding transcript variant (1).
Genome position (GRCh38, 1-based): chr19:50,402,737, C>A. VCF-style: chr19-50402737-C-A. GRCh37 (hg19) VCF-style: chr19-50905994-C-A.
Other names: c.966C>A, p.Arg322= (NM_001256849.1, NM_001308632.1); c.966C>A (NM_002691.3).
Identifiers: ClinVar variation 1127173 (VCV001127173.13), dbSNP rs927325156, ClinGen allele CA508182229.

ClinVar aggregate classification (germline): Benign/Likely benign. Review status: criteria provided, multiple submitters, no conflicts (2 of 4 stars). 4 submissions from 4 submitters: Benign (1); Likely benign (3). Last evaluated 2025-05-07.

Conditions:
POLD1-related polyposis and colorectal cancer syndrome (CRCS10). Also called: Colorectal cancer, susceptibility to, 10; Colorectal cancer 10; COLORECTAL CANCER, SUSCEPTIBILITY TO, ON CHROMOSOME 19q. Identifiers: Orphanet 220460, MedGen C2675481, MONDO:0012953, OMIM 612591.
Hereditary cancer-predisposing syndrome. Also called: Hereditary neoplastic syndrome; Neoplastic Syndromes, Hereditary; Tumor predisposition; Hereditary Cancer Syndrome. Identifiers: Orphanet 140162, MedGen C0027672, MeSH D009386, MONDO:0015356.

Allele frequency attached by ClinVar (database versions not stated): TOPMed below 0.00001; gnomAD 0.00001.
gnomAD v4.1: 4 of 1,590,618 alleles (0.00025%); highest among the groups gnomAD compares: Non-Finnish European, 0.00026%; no homozygotes.

Submissions (4):

Labcorp Genetics (formerly Invitae), Labcorp
Classification: Likely benign for POLD1-related polyposis and colorectal cancer syndrome. Last evaluated: 2025-05-07. Review status: criteria provided, single submitter. Criteria: Invitae Variant Classification Sherloc (09022015). Collection method: clinical testing. Allele origin: germline.

Myriad Genetics, Inc.
Classification: Benign for POLD1-related polyposis and colorectal cancer syndrome. Last evaluated: 2025-02-05. Review status: criteria provided, single submitter. Criteria: Myriad Autosomal Dominant, Autosomal Recessive and X-Linked Classification Criteria (2023). Collection method: clinical testing. Allele origin: unknown.
Comment: This variant is considered benign. This variant is a silent/synonymous amino acid change and it is not expected to impact splicing.

Quest Diagnostics Nichols Institute San Juan Capistrano
Classification: Likely benign. Last evaluated: 2023-07-13. Review status: criteria provided, single submitter. Criteria: Quest Diagnostics criteria. Collection method: clinical testing. Allele origin: unknown.

Ambry Genetics
Classification: Likely benign for Hereditary cancer-predisposing syndrome. Last evaluated: 2022-06-06. Review status: criteria provided, single submitter. Criteria: Ambry Variant Classification Scheme 2023. Collection method: clinical testing. Allele origin: germline.